The following is an entry in ClinVar:

NM_138370.3(PKDCC):c.1128G>C (p.Trp376Cys)

Gene: PKDCC (protein kinase domain containing, cytoplasmic; plus strand). Cytogenetic location: 2p21.
Variant type: single nucleotide variant.
Coding change: c.1128G>C on transcript NM_138370.3 (MANE Select); coding-DNA position 1128, G replaced by C.
Protein change: p.Trp376Cys; replaces tryptophan 376 with cysteine.
Molecular consequence: missense variant.
Genome position (GRCh38, 1-based): chr2:42,055,299, G>C. VCF-style: chr2-42055299-G-C. GRCh37 (hg19) VCF-style: chr2-42282439-G-C.
Other names: c.1128G>C (NM_138370.2); short protein forms W376C.
Identifiers: ClinVar variation 2174232 (VCV002174232.2), dbSNP rs747921012, ClinGen allele CA1628152.

ClinVar aggregate classification (germline): Uncertain significance. Review status: criteria provided, multiple submitters, no conflicts (2 of 4 stars). 2 submissions from 2 submitters: Uncertain significance (2). Last evaluated 2024-04-17.

Conditions:
Inborn genetic diseases. Identifiers: MedGen C0950123, MeSH D030342.

Allele frequency attached by ClinVar (database versions not stated): gnomAD 0.00005; ExAC 0.00009.
gnomAD v4.1: 74 of 1,613,226 alleles (0.0046%); highest among the groups gnomAD compares: East Asian, 0.011%; 1 homozygote.

Submissions (2):

Ambry Genetics
Classification: Uncertain significance for Inborn genetic diseases. Last evaluated: 2024-04-17. Review status: criteria provided, single submitter. Criteria: Ambry Variant Classification Scheme 2023. Collection method: clinical testing. Allele origin: germline.

Labcorp Genetics (formerly Invitae), Labcorp
Classification: Uncertain significance. Last evaluated: 2022-08-06. Review status: criteria provided, single submitter. Criteria: Invitae Variant Classification Sherloc (09022015). Collection method: clinical testing. Allele origin: germline.
Comment: This sequence change replaces tryptophan, which is neutral and slightly polar, with cysteine, which is neutral and slightly polar, at codon 376 of the PKDCC protein (p.Trp376Cys). This variant is present in population databases (rs747921012, gnomAD 0.01%). This variant has not been reported in the literature in individuals affected with PKDCC-related conditions. Algorithms developed to predict the effect of missense changes on protein structure and function (SIFT, PolyPhen-2, Align-GVGD) all suggest that this variant is likely to be disruptive. In summary, the available evidence is currently insufficient to determine the role of this variant in disease. Therefore, it has been classified as a Variant of Uncertain Significance.